The following is an entry in ClinVar:

NM_005359.6(SMAD4):c.617C>G (p.Ser206Cys)

Gene: SMAD4 (SMAD family member 4; plus strand). Cytogenetic location: 18q21.2.
Variant type: single nucleotide variant.
Coding change: c.617C>G on transcript NM_005359.6 (MANE Select); coding-DNA position 617, C replaced by G.
Protein change: p.Ser206Cys; replaces serine 206 with cysteine.
Molecular consequence: missense variant.
Genome position (GRCh38, 1-based): chr18:51,054,943, C>G. VCF-style: chr18-51054943-C-G. GRCh37 (hg19) VCF-style: chr18-48581313-C-G.
Other names: c.617C>G, p.Ser206Cys (NM_001407041.1, NM_001407042.1, NM_001407043.1); short protein forms S206C.
Identifiers: ClinVar variation 1953556 (VCV001953556.7), dbSNP rs1909801055, ClinGen allele CA402461186.
Genomic context (GRCh38, chr18:51,054,943, plus strand): 5'-CAAGTAATCGTGCATCGACAGAGACATACAGCACCCCAGCTCTGTTAGCCCCATCTGAGT[C>G]TAATGCTACCAGCACTGCCAACTTTCCCAACATTCCTGTGGCTTCCACAAGTGAGTTCTA-3'
Protein context (NP_005350.1, residues 196-216): STPALLAPSE[Ser206Cys]NATSTANFPN

ClinVar aggregate classification (germline): Uncertain significance. Review status: criteria provided, multiple submitters, no conflicts (2 of 4 stars). 3 submissions from 3 submitters: Uncertain significance (3). Last evaluated 2026-08-08.

Conditions:
Hereditary cancer-predisposing syndrome. Also called: Hereditary neoplastic syndrome; Neoplastic Syndromes, Hereditary; Tumor predisposition; Hereditary Cancer Syndrome. Identifiers: Orphanet 140162, MedGen C0027672, MeSH D009386, MONDO:0015356.
Familial thoracic aortic aneurysm and aortic dissection (TAAD). Also called: Thoracic aortic aneurysms and dissections. Identifiers: Orphanet 91387, MedGen C4707243, MONDO:0019625.
Juvenile polyposis syndrome (JPS). Identifiers: Orphanet 2929, MedGen C0345893, MONDO:0017380, OMIM 174900.
Juvenile polyposis/hereditary hemorrhagic telangiectasia syndrome (JPHT). Also called: JP/HHT SYNDROME; JUVENILE POLYPOSIS WITH HEREDITARY HEMORRHAGIC TELANGIECTASIA; POLYPOSIS, GENERALIZED JUVENILE, WITH PULMONARY ARTERIOVENOUS MALFORMATION; TELANGIECTASIA, HEREDITARY HEMORRHAGIC, WITH JUVENILE POLYPOSIS COLI; Juvenile Polyposis Syndrome / Hereditary Hemorrhagic Telangiectasia (JPS/HHT). Identifiers: Orphanet 2929, MedGen C1832942, MONDO:0008278, OMIM 175050.

Allele frequency attached by ClinVar (database versions not stated): gnomAD exomes below 0.00001.
gnomAD v4.1: 1 of 1,614,178 alleles (0.000062%); no homozygotes.

Submissions (3):

Ambry Genetics
Classification: Uncertain significance for Hereditary cancer-predisposing syndrome; Familial thoracic aortic aneurysm and aortic dissection. Last evaluated: 2026-08-08. Review status: criteria provided, single submitter. Criteria: Ambry Variant Classification Scheme 2023. Collection method: clinical testing. Allele origin: germline.
Comment: The p.S206C variant (also known as c.617C>G), located in coding exon 4 of the SMAD4 gene, results from a C to G substitution at nucleotide position 617. The serine at codon 206 is replaced by cysteine, an amino acid with dissimilar properties. This amino acid position is conserved. In addition, the in silico prediction for this alteration is inconclusive. Based on the available evidence, the clinical significance of this variant remains unclear.

All of Us Research Program, National Institutes of Health
Classification: Uncertain significance for Juvenile polyposis/hereditary hemorrhagic telangiectasia syndrome. Last evaluated: 2023-05-04. Review status: criteria provided, single submitter. Criteria: ACMG Guidelines, 2015. Collection method: clinical testing. Allele origin: germline. Inheritance: Autosomal dominant inheritance. Observed: 1 variant allele, 1 heterozygote.
Comment: This missense variant replaces serine with cysteine at codon 206 of the SMAD4 protein. Computational prediction suggests that this variant may not impact protein structure and function (internally defined REVEL score threshold <= 0.5, PMID: 27666373). To our knowledge, functional studies have not been reported for this variant. This variant has not been reported in individuals affected with SMAD4-related disorders in the literature. This variant has not been identified in the general population by the Genome Aggregation Database (gnomAD). The available evidence is insufficient to determine the role of this variant in disease conclusively. Therefore, this variant is classified as a Variant of Uncertain Significance.

This study involves interpretation of variants in research participants for the purpose of population health screening. Participant phenotype was not available at the time of variant classification. Additional details can be found in publication PMID: 35346344, PMCID: PMC8962531

Labcorp Genetics (formerly Invitae), Labcorp
Classification: Uncertain significance for Juvenile polyposis syndrome. Last evaluated: 2022-05-19. Review status: criteria provided, single submitter. Criteria: Invitae Variant Classification Sherloc (09022015). Collection method: clinical testing. Allele origin: germline.
Comment: Advanced modeling of protein sequence and biophysical properties (such as structural, functional, and spatial information, amino acid conservation, physicochemical variation, residue mobility, and thermodynamic stability) performed at Invitae indicates that this missense variant is not expected to disrupt SMAD4 protein function. This sequence change replaces serine, which is neutral and polar, with cysteine, which is neutral and slightly polar, at codon 206 of the SMAD4 protein (p.Ser206Cys). This variant is not present in population databases (gnomAD no frequency). This variant has not been reported in the literature in individuals affected with SMAD4-related conditions. In summary, the available evidence is currently insufficient to determine the role of this variant in disease. Therefore, it has been classified as a Variant of Uncertain Significance.